The following is an entry in ClinVar:

ClinVar aggregate classification (germline): Uncertain significance (1 of 4 stars; one submission).

Conditions:
Developmental and epileptic encephalopathy, 21 (DEE21). Also called: Early infantile epileptic encephalopathy 21. Identifiers: Orphanet 442835, MedGen C4014430, MONDO:0014360, OMIM 615833.

Allele frequency attached by ClinVar (database versions not stated): gnomAD exomes below 0.00001; gnomAD 0.00001; TOPMed 0.00002.
gnomAD v4.1: 5 of 1,613,922 alleles (0.00031%); highest among the groups gnomAD compares: African/African-American, 0.0027%; no homozygotes.

Submission:

Labcorp Genetics (formerly Invitae), Labcorp
Classification: Uncertain significance for Developmental and epileptic encephalopathy, 21. Last evaluated: 2024-10-07. Review status: criteria provided, single submitter. Criteria: Invitae Variant Classification Sherloc (09022015). Collection method: clinical testing. Allele origin: germline.
Comment: This sequence change replaces lysine, which is basic and polar, with glutamic acid, which is acidic and polar, at codon 148 of the NECAP1 protein (p.Lys148Glu). This variant is present in population databases (rs368565295, gnomAD 0.007%). This variant has not been reported in the literature in individuals affected with NECAP1-related conditions. ClinVar contains an entry for this variant (Variation ID: 652939). An algorithm developed to predict the effect of missense changes on protein structure and function (PolyPhen-2) suggests that this variant is likely to be disruptive. In summary, the available evidence is currently insufficient to determine the role of this variant in disease. Therefore, it has been classified as a Variant of Uncertain Significance.

NM_015509.4(NECAP1):c.442A>G (p.Lys148Glu)

Gene: NECAP1 (NECAP endocytosis associated 1; plus strand). Cytogenetic location: 12p13.31.
Variant type: single nucleotide variant.
Coding change: c.442A>G on transcript NM_015509.4 (MANE Select); coding-DNA position 442, A replaced by G.
Protein change: p.Lys148Glu; replaces lysine 148 with glutamic acid.
Molecular consequence: missense variant. On other transcripts: non-coding transcript variant (1).
Genome position (GRCh38, 1-based): chr12:8,092,734, A>G. VCF-style: chr12-8092734-A-G. GRCh37 (hg19) VCF-style: chr12-8245330-A-G.
Other names: short protein forms K148E.
Identifiers: ClinVar variation 652939 (VCV000652939.9), dbSNP rs368565295, ClinGen allele CA232563673.
Genomic context (GRCh38, chr12:8,092,734, plus strand): 5'-AGGTGGGTAAAGCAGGAATCTGAGATTTCCAAGGAATCTCAAGAAATGGATGCTCGTCCT[A>G]AGTTGGATCTGGGCTTCAAGGAAGGACAAACCATCAAGTTGTGTATCGGGGTGAGTATGG-3'
Protein context (NP_056324.2, residues 138-158): KESQEMDARP[Lys148Glu]LDLGFKEGQT